The following is an entry in ClinVar:

ClinVar aggregate classification (germline): Pathogenic (1 of 4 stars; one submission).

Conditions:
PKD1-related disorder. Also called: PKD1-related condition.

Submission:

PreventionGenetics, part of Exact Sciences
Classification: Pathogenic for PKD1-related condition. Last evaluated: 2024-11-09. Review status: criteria provided, single submitter. Criteria: ACMG Guidelines, 2015. Collection method: clinical testing. Allele origin: germline.
Comment: The PKD1 c.6341_6347del7 variant is predicted to result in a frameshift and premature protein termination (p.Tyr2114Cysfs*9). To our knowledge, this variant has not been reported in the literature or in a large population database (gnomAD), indicating this variant is rare. Frameshift variants in PKD1 are expected to be pathogenic. This variant is interpreted as pathogenic.

NM_001009944.3(PKD1):c.6341_6347del (p.Tyr2114fs)

Gene: PKD1 (polycystin 1, transient receptor potential channel interacting; minus strand). Cytogenetic location: 16p13.3.
Variant type: Deletion.
Coding change: c.6341_6347del on transcript NM_001009944.3 (MANE Select); coding-DNA positions 6341 to 6347, 7 bases deleted (ACCTGAG; older notation c.6341_6347delACCTGAG).
Protein change: p.Tyr2114fs; shifts the reading frame from tyrosine 2114.
Molecular consequence: frameshift variant.
Genome position (GRCh38, 1-based): chr16:2,108,820-2,108,826, CTCAGGT deleted on the plus strand (ACCTGAG on the coding strand, the reverse complement: PKD1 is on the minus strand). VCF-style (leftmost placement, unchanged base first): chr16-2108819-CCTCAGGT-C. GRCh37 (hg19) VCF-style: chr16-2158820-CCTCAGGT-C.
Other names: c.6341_6347del, p.Tyr2114fs (NM_000296.4); c.6341_6347del7 (NM_001009944.2); short protein forms Y2114fs.
Identifiers: ClinVar variation 4998441 (VCV004998441.1).